The following is an entry in ClinVar:

NM_000334.4(SCN4A):c.137A>G (p.Glu46Gly)

Gene: SCN4A (sodium voltage-gated channel alpha subunit 4; minus strand). Cytogenetic location: 17q23.3.
Variant type: single nucleotide variant.
Coding change: c.137A>G on transcript NM_000334.4 (MANE Select); coding-DNA position 137, A replaced by G.
Protein change: p.Glu46Gly; replaces glutamic acid 46 with glycine.
Molecular consequence: missense variant.
Genome position (GRCh38, 1-based): chr17:63,972,705, T>C on the plus strand (A>G on the coding strand, the complement: SCN4A is on the minus strand). VCF-style: chr17-63972705-T-C. GRCh37 (hg19) VCF-style: chr17-62050065-T-C.
Other names: short protein forms E46G.
Identifiers: ClinVar variation 933414 (VCV000933414.10), dbSNP rs1909654912, ClinGen allele CA400640394.
Genomic context (GRCh38, chr17:63,972,705, plus strand): 5'-ATGGGTAGGTTCTTGCCAGCCTCCAAGTCACTTCGTGGCTTCCGTTCGGGCTCCTCAATC[T>C]CCATCTGCTTATTCCGCTGCAGCCGGGCCTCCTCCTCCACCGCCCGCTGTTCTATGGCTG-3'
Protein context (NP_000325.4, residues 36-56): EARLQRNKQM[Glu46Gly]IEEPERKPRS

ClinVar aggregate classification (germline): Uncertain significance (1 of 4 stars; one submission).

Conditions:
Hyperkalemic periodic paralysis. Also called: Familial hyperkalemic periodic paralysis; Gamstorp disease. Identifiers: Orphanet 682, MedGen C0238357, MONDO:0008224, OMIM 170500, HP:0007215.

Allele frequency attached by ClinVar (database versions not stated): gnomAD exomes below 0.00001.
gnomAD v4.1: 2 of 1,613,712 alleles (0.00012%); highest among the groups gnomAD compares: African/African-American, 0.0013%; no homozygotes.

Submission:

Labcorp Genetics (formerly Invitae), Labcorp
Classification: Uncertain significance for Hyperkalemic periodic paralysis. Last evaluated: 2022-10-04. Review status: criteria provided, single submitter. Criteria: Invitae Variant Classification Sherloc (09022015). Collection method: clinical testing. Allele origin: germline.
Comment: In summary, the available evidence is currently insufficient to determine the role of this variant in disease. Therefore, it has been classified as a Variant of Uncertain Significance. Advanced modeling of protein sequence and biophysical properties (such as structural, functional, and spatial information, amino acid conservation, physicochemical variation, residue mobility, and thermodynamic stability) has been performed at Invitae for this missense variant, however the output from this modeling did not meet the statistical confidence thresholds required to predict the impact of this variant on SCN4A protein function. ClinVar contains an entry for this variant (Variation ID: 933414). This variant has not been reported in the literature in individuals affected with SCN4A-related conditions. This variant is not present in population databases (gnomAD no frequency). This sequence change replaces glutamic acid, which is acidic and polar, with glycine, which is neutral and non-polar, at codon 46 of the SCN4A protein (p.Glu46Gly).